The following is an entry in ClinVar:

ClinVar aggregate classification (germline): Uncertain significance (1 of 4 stars; one submission).

Conditions:
Inborn genetic diseases. Identifiers: MedGen C0950123, MeSH D030342.

Submission:

Ambry Genetics
Classification: Uncertain significance for Inborn genetic diseases. Last evaluated: 2025-11-05. Review status: criteria provided, single submitter. Criteria: Ambry Variant Classification Scheme 2023. Collection method: clinical testing. Allele origin: germline.
Comment: The c.3668G>A (p.G1223D) alteration is located in exon 40 (coding exon 39) of the COL4A2 gene. This alteration results from a G to A substitution at nucleotide position 3668, causing the glycine (G) at amino acid position 1223 to be replaced by an aspartic acid (D). This variant was not reported in population-based cohorts in the Genome Aggregation Database (gnomAD). This alteration is predicted to be deleterious by in silico analysis. Based on insufficient or conflicting evidence, the clinical significance of this alteration remains unclear.

NM_001846.4(COL4A2):c.3668G>A (p.Gly1223Asp)

Gene: COL4A2 (collagen type IV alpha 2 chain; plus strand). Cytogenetic location: 13q34.
Variant type: single nucleotide variant.
Coding change: c.3668G>A on transcript NM_001846.4 (MANE Select); coding-DNA position 3668, G replaced by A.
Protein change: p.Gly1223Asp; replaces glycine 1223 with aspartic acid.
Molecular consequence: missense variant.
Genome position (GRCh38, 1-based): chr13:110,495,375, G>A. VCF-style: chr13-110495375-G-A. GRCh37 (hg19) VCF-style: chr13-111147722-G-A.
Other names: short protein forms G1223D.
Identifiers: ClinVar variation 4616249 (VCV004616249.1).
Genomic context (GRCh38, chr13:110,495,375, plus strand): 5'-TCAGCTGCTGTTATAACTCTTCCACAGGTTCTGACATCCACGGAGACCCAGGCTTCCCAG[G>A]CCCTCCTGGGGAAAGAGGTGACCCAGGAGAGGCCAACACCCTTCCAGGCCCTGTGGGAGT-3'
Protein context (NP_001837.2, residues 1213-1233): SDIHGDPGFP[Gly1223Asp]PPGERGDPGE